The following is an entry in ClinVar:

ClinVar aggregate classification (germline): Uncertain significance (1 of 4 stars; one submission).

Conditions:
Congenital disorder of deglycosylation (CDDG). Identifiers: MedGen C3808991, MONDO:0031376.

Allele frequency attached by ClinVar (database versions not stated): TOPMed below 0.00001; gnomAD 0.00001.
gnomAD v4.1: 1 of 1,597,232 alleles (0.000063%); highest among the groups gnomAD compares: Non-Finnish European, 0.000085%; no homozygotes.

Submission:

Labcorp Genetics (formerly Invitae), Labcorp
Classification: Uncertain significance for Congenital disorder of deglycosylation. Last evaluated: 2022-05-17. Review status: criteria provided, single submitter. Criteria: Invitae Variant Classification Sherloc (09022015). Collection method: clinical testing. Allele origin: germline.
Comment: In summary, the available evidence is currently insufficient to determine the role of this variant in disease. Therefore, it has been classified as a Variant of Uncertain Significance. Algorithms developed to predict the effect of missense changes on protein structure and function are either unavailable or do not agree on the potential impact of this missense change (SIFT: "Deleterious"; PolyPhen-2: "Benign"; Align-GVGD: "Class C0"). This variant has not been reported in the literature in individuals affected with NGLY1-related conditions. This variant is not present in population databases (gnomAD no frequency). This sequence change replaces glutamine, which is neutral and polar, with histidine, which is basic and polar, at codon 22 of the NGLY1 protein (p.Gln22His).

NM_018297.4(NGLY1):c.66G>C (p.Gln22His)

Gene: NGLY1 (N-glycanase 1; minus strand). Cytogenetic location: 3p24.2.
Variant type: single nucleotide variant.
Coding change: c.66G>C on transcript NM_018297.4 (MANE Select); coding-DNA position 66, G replaced by C.
Protein change: p.Gln22His; replaces glutamine 22 with histidine.
Molecular consequence: missense variant. On other transcripts: intron variant (1).
Genome position (GRCh38, 1-based): chr3:25,783,325, C>G on the plus strand (G>C on the coding strand, the complement: NGLY1 is on the minus strand). VCF-style: chr3-25783325-C-G. GRCh37 (hg19) VCF-style: chr3-25824816-C-G.
Other names: c.66G>C, p.Gln22His (NM_001145293.2, NM_001145295.2); c.6-4637G>C (NM_001145294.2); short protein forms Q22H.
Identifiers: ClinVar variation 2420647 (VCV002420647.5), dbSNP rs1391309787, ClinGen allele CA351911313.